The following is an entry in ClinVar:

ClinVar aggregate classification (germline): Benign (1 of 4 stars; one submission).

Allele frequency attached by ClinVar (database versions not stated): TOPMed 0.09927; gnomAD 0.10009 and 0.10287; 1000 Genomes Project 0.11581; 1000 Genomes Project 30x 0.11680.
gnomAD v4.1: 15,112 of 151,942 alleles (9.9%); highest among the groups gnomAD compares: African/African-American, 21%; 1,210 homozygotes.

Submission:

GeneDx
Classification: Benign. Last evaluated: 2018-06-14. Review status: criteria provided, single submitter. Criteria: GeneDx Variant Classification (06012015). Collection method: clinical testing. Allele origin: germline. Affected: yes.
Comment: This variant is considered likely benign or benign based on one or more of the following criteria: it is a conservative change, it occurs at a poorly conserved position in the protein, it is predicted to be benign by multiple in silico algorithms, and/or has population frequency not consistent with disease.

NM_001277062.2(MFF):c.182-167G>A

Gene: MFF (mitochondrial fission factor; plus strand). Cytogenetic location: 2q36.3.
Variant type: single nucleotide variant.
Coding change: c.182-167G>A on transcript NM_001277062.2 (MANE Select); 167 bases into the intron before coding-DNA position 182, G replaced by A.
Molecular consequence: intron variant.
Genome position (GRCh38, 1-based): chr2:227,332,252, G>A. VCF-style: chr2-227332252-G-A. GRCh37 (hg19) VCF-style: chr2-228196968-G-A.
Other names: c.260-167G>A (NM_001277061.2, NM_020194.5); c.182-167G>A (NM_001277063.2, NM_001277064.2, NM_001277065.2 and 2 more transcripts); c.32-167G>A (NM_001277067.1).
Identifiers: ClinVar variation 669500 (VCV000669500.1), dbSNP rs113141549, ClinGen allele CA66640114.